The following is an entry in ClinVar:

ClinVar aggregate classification (germline): Uncertain significance. Review status: criteria provided, multiple submitters, no conflicts (2 of 4 stars). 4 submissions from 4 submitters: Uncertain significance (4). Last evaluated 2026-01-25.

Conditions:
Retinitis pigmentosa (RP). Identifiers: Orphanet 791, MedGen C0035334, MeSH D012174, MONDO:0019200, OMIM 268000. Inheritance: Autosomal dominant, autosomal recessive and X linked inheritance.

Allele frequency attached by ClinVar (database versions not stated): gnomAD exomes 0.00004; ExAC 0.00006; ESP Exome Variant Server 0.00008; gnomAD 0.00021 and 0.00024; TOPMed 0.00025.
gnomAD v4.1: 85 of 1,613,934 alleles (0.0053%); highest among the groups gnomAD compares: African/African-American, 0.063%; no homozygotes.

Submissions (4):

Labcorp Genetics (formerly Invitae), Labcorp
Classification: Uncertain significance. Last evaluated: 2026-01-25. Review status: criteria provided, single submitter. Criteria: Invitae Variant Classification Sherloc (09022015). Collection method: clinical testing. Allele origin: germline.
Comment: This sequence change replaces arginine, which is basic and polar, with glutamine, which is neutral and polar, at codon 523 of the ZNF513 protein (p.Arg523Gln). This variant is present in population databases (rs371030335, gnomAD 0.06%), and has an allele count higher than expected for a pathogenic variant. This variant has not been reported in the literature in individuals affected with ZNF513-related conditions. ClinVar contains an entry for this variant (Variation ID: 335552). An algorithm developed to predict the effect of missense changes on protein structure and function (PolyPhen-2) suggests that this variant is likely to be tolerated. In summary, the available evidence is currently insufficient to determine the role of this variant in disease. Therefore, it has been classified as a Variant of Uncertain Significance.

Blueprint Genetics
Classification: Uncertain significance. Last evaluated: 2024-11-06. Review status: criteria provided, single submitter. Criteria: ACMG Guidelines, 2015. Collection method: clinical testing. Allele origin: germline.

Ambry Genetics
Classification: Uncertain significance. Last evaluated: 2024-02-27. Review status: criteria provided, single submitter. Criteria: Ambry Variant Classification Scheme 2023. Collection method: clinical testing. Allele origin: germline.

Illumina Laboratory Services, Illumina
Classification: Uncertain significance for Retinitis pigmentosa. Last evaluated: 2018-01-13. Review status: criteria provided, single submitter. Criteria: ICSL Variant Classification Criteria 13 December 2019. Collection method: clinical testing. Allele origin: germline.

NM_144631.6(ZNF513):c.1568G>A (p.Arg523Gln)

Gene: ZNF513 (zinc finger protein 513; minus strand). Cytogenetic location: 2p23.3.
Variant type: single nucleotide variant.
Coding change: c.1568G>A on transcript NM_144631.6 (MANE Select); coding-DNA position 1568, G replaced by A.
Protein change: p.Arg523Gln; replaces arginine 523 with glutamine.
Molecular consequence: missense variant.
Genome position (GRCh38, 1-based): chr2:27,377,603, C>T on the plus strand (G>A on the coding strand, the complement: ZNF513 is on the minus strand). VCF-style: chr2-27377603-C-T. GRCh37 (hg19) VCF-style: chr2-27600470-C-T.
Other names: c.1382G>A, p.Arg461Gln (NM_001201459.2); short protein forms R523Q, R461Q.
Identifiers: ClinVar variation 335552 (VCV000335552.17), dbSNP rs371030335, ClinGen allele CA1577775.